The following is an entry in ClinVar:

ClinVar aggregate classification (germline): Uncertain significance (1 of 4 stars; one submission).

Allele frequency attached by ClinVar (database versions not stated): gnomAD exomes 0.00001; 1000 Genomes Project 30x 0.00016; 1000 Genomes Project 0.00020; TOPMed below 0.00001; gnomAD 0.00001.
gnomAD v4.1: 4 of 1,614,160 alleles (0.00025%); highest among the groups gnomAD compares: Non-Finnish European, 0.00034%; no homozygotes.

Submission:

Labcorp Genetics (formerly Invitae), Labcorp
Classification: Uncertain significance. Last evaluated: 2024-02-24. Review status: criteria provided, single submitter. Criteria: Invitae Variant Classification Sherloc (09022015). Collection method: clinical testing. Allele origin: germline.
Comment: This sequence change replaces valine, which is neutral and non-polar, with phenylalanine, which is neutral and non-polar, at codon 283 of the DHCR24 protein (p.Val283Phe). This variant is not present in population databases (gnomAD no frequency). This variant has not been reported in the literature in individuals affected with DHCR24-related conditions. ClinVar contains an entry for this variant (Variation ID: 1937938). Advanced modeling of protein sequence and biophysical properties (such as structural, functional, and spatial information, amino acid conservation, physicochemical variation, residue mobility, and thermodynamic stability) performed at Invitae indicates that this missense variant is not expected to disrupt DHCR24 protein function with a negative predictive value of 80%. In summary, the available evidence is currently insufficient to determine the role of this variant in disease. Therefore, it has been classified as a Variant of Uncertain Significance.

NM_014762.4(DHCR24):c.847G>T (p.Val283Phe)

Gene: DHCR24 (24-dehydrocholesterol reductase; minus strand). Cytogenetic location: 1p32.3.
Variant type: single nucleotide variant.
Coding change: c.847G>T on transcript NM_014762.4 (MANE Select); coding-DNA position 847, G replaced by T.
Protein change: p.Val283Phe; replaces valine 283 with phenylalanine.
Molecular consequence: missense variant.
Genome position (GRCh38, 1-based): chr1:54,871,379, C>A on the plus strand (G>T on the coding strand, the complement: DHCR24 is on the minus strand). VCF-style: chr1-54871379-C-A. GRCh37 (hg19) VCF-style: chr1-55337052-C-A.
Other names: short protein forms V283F.
Identifiers: ClinVar variation 1937938 (VCV001937938.5), dbSNP rs181555625, ClinGen allele CA22762685.
Genomic context (GRCh38, chr1:54,871,379, plus strand): 5'-TTGGTCAGCAGCAGCTGACACCCTGGCTTACCTTGCTGGGCTCTGCCTCATCTGTCATGA[C>A]CCCTGTCATAATGACAGCCTCATCCAGGGAGTAGAGCAGCCCTTCCACGAAGTGGTTCTC-3'
Protein context (NP_055577.1, residues 273-293): SLDEAVIMTG[Val283Phe]MTDEAEPSKL